The following is an entry in ClinVar:

NM_001267550.2(TTN):c.46305-1G>C

Genes: TTN (titin; minus strand), TTN-AS1 (TTN antisense RNA 1; plus strand). Cytogenetic location: 2q31.2.
Variant type: single nucleotide variant.
Coding change: c.46305-1G>C on transcript NM_001267550.2 (MANE Select); the canonical splice acceptor site of the intron before coding-DNA position 46305, G replaced by C.
Molecular consequence: splice acceptor variant. On other transcripts: non-coding transcript variant (1).
Genome position (GRCh38, 1-based): chr2:178,620,113, C>G on the plus strand (G>C on the coding strand, the complement: TTN is on the minus strand). VCF-style: chr2-178620113-C-G. GRCh37 (hg19) VCF-style: chr2-179484840-C-G.
Other names: c.19110-1G>C (NM_003319.4); c.19686-1G>C (NM_133437.4); c.19485-1G>C (NM_133432.3); c.38601-1G>C (NM_133378.4); c.41382-1G>C (NM_001256850.1).
Identifiers: ClinVar variation 535011 (VCV000535011.1), dbSNP rs1553714845, ClinGen allele CA349627671.
Genomic context (GRCh38, chr2:178,620,113, plus strand): 5'-TCCAGCCTGCAATCTTTTATAATGAGTCTGTGTATACTTCCATCTTTTTCAAATTTGTAT[C>G]TAAAGGAGACATTGGATTATCAGTTAGCTTGCAATGATGGCCACTAAATTGTCAAAAGTG-3'

ClinVar aggregate classification (germline): Uncertain significance (1 of 4 stars; one submission).

Conditions:
Autosomal recessive limb-girdle muscular dystrophy type 2J (LGMDR10). Also called: Limb-girdle muscular dystrophy, type 2J; MUSCULAR DYSTROPHY, LIMB-GIRDLE, AUTOSOMAL RECESSIVE 10. Identifiers: Orphanet 140922, MedGen C1837342, MONDO:0012127, OMIM 608807.
Dilated cardiomyopathy 1G (CMD1G). Identifiers: Orphanet 154, MedGen C1858763, MONDO:0011400, OMIM 604145.

Submission:

Labcorp Genetics (formerly Invitae), Labcorp
Classification: Uncertain significance for Dilated cardiomyopathy 1G; Autosomal recessive limb-girdle muscular dystrophy type 2J. Last evaluated: 2017-12-22. Review status: criteria provided, single submitter. Criteria: Invitae Variant Classification Sherloc (09022015). Collection method: clinical testing. Allele origin: germline.
Comment: This sequence change affects an acceptor splice site in intron 248 of the TTN gene. While this is not anticipated to result in nonsense mediated decay, it is expected to create a truncated TTN protein. This variant is not present in population databases (ExAC no frequency). This variant has not been reported in the literature in individuals with TTN-related disease. This variant identified in the TTN gene is located in the I band of the resulting protein (PMID: 25589632). Algorithms developed to predict the effect of sequence changes on RNA splicing suggest that this variant may disrupt the consensus splice site, but this prediction has not been confirmed by published transcriptional studies. In summary, although this is a novel truncating variant, truncating variants in this region of the TTN gene have been shown to be highly prevalent in the TTN gene in the general population and unaffected individuals (PMID: 26701604, 22335739). However, truncating mutations in this region have also been reported to cause autosomal recessive congenital myopathy (PMID: 23975875). Therefore without additional functional and/or genetic data, this variant has been classified as a Variant of Uncertain Significance.

Literature cited by the submitters: PubMed 26701604; PubMed 25589632; PubMed 23975875; PubMed 22335739.